The following is an entry in ClinVar:

NM_019023.5(PRMT7):c.1032A>G (p.Val344=)

Gene: PRMT7 (protein arginine methyltransferase 7; plus strand). Cytogenetic location: 16q22.1.
Variant type: single nucleotide variant.
Coding change: c.1032A>G on transcript NM_019023.5 (MANE Select); coding-DNA position 1032, A replaced by G.
Protein change: p.Val344=; no amino-acid change (valine 344 retained).
Molecular consequence: synonymous variant. On other transcripts: non-coding transcript variant (12).
Genome position (GRCh38, 1-based): chr16:68,345,779, A>G. VCF-style: chr16-68345779-A-G. GRCh37 (hg19) VCF-style: chr16-68379682-A-G.
Other names: c.882A>G, p.Val294= (NM_001184824.4); c.1032A>G, p.Val344= (NM_001290018.2, NM_001351143.3, NM_001351144.3 and 1 more transcripts); c.825A>G, p.Val275= (NM_001378020.1); c.795A>G, p.Val265= (NM_001378021.1, NM_001378022.1, NM_001378023.1).
Identifiers: ClinVar variation 5040422 (VCV005040422.1).

ClinVar aggregate classification (germline): Likely benign (1 of 4 stars; one submission).

gnomAD v4.1: 3 of 1,614,014 alleles (0.00019%); highest among the groups gnomAD compares: South Asian, 0.0022%; no homozygotes.

Submission:

CeGaT Center for Human Genetics Tuebingen
Classification: Likely benign. Last evaluated: 2026-08-01. Review status: criteria provided, single submitter. Criteria: CeGaT Center For Human Genetics Tuebingen Variant Classification Criteria Version 2. Collection method: clinical testing. Allele origin: germline. Affected: yes. Observed: 1 variant allele.
Comment: PRMT7: BP4, BP7